The following is an entry in ClinVar:

NM_024577.4(SH3TC2):c.1373C>A (p.Thr458Asn)

Gene: SH3TC2 (SH3 domain and tetratricopeptide repeats 2; minus strand). Cytogenetic location: 5q32.
Variant type: single nucleotide variant.
Coding change: c.1373C>A on transcript NM_024577.4 (MANE Select); coding-DNA position 1373, C replaced by A.
Protein change: p.Thr458Asn; replaces threonine 458 with asparagine.
Molecular consequence: missense variant.
Genome position (GRCh38, 1-based): chr5:149,028,359, G>T on the plus strand (C>A on the coding strand, the complement: SH3TC2 is on the minus strand). VCF-style: chr5-149028359-G-T. GRCh37 (hg19) VCF-style: chr5-148407922-G-T.
Other names: short protein forms T458N.
Identifiers: ClinVar variation 1380195 (VCV001380195.3), dbSNP rs1234062925, ClinGen allele CA361668981.

ClinVar aggregate classification (germline): Uncertain significance (1 of 4 stars; one submission).

Conditions:
Charcot-Marie-Tooth disease type 4. Also called: Charcot-Marie-Tooth disease, type IV; Charcot-Marie-Tooth, Type 4. Identifiers: Orphanet 64749, MedGen C4082197, MONDO:0018995.

Submission:

Labcorp Genetics (formerly Invitae), Labcorp
Classification: Uncertain significance for Charcot-Marie-Tooth disease type 4. Last evaluated: 2022-09-12. Review status: criteria provided, single submitter. Criteria: Invitae Variant Classification Sherloc (09022015). Collection method: clinical testing. Allele origin: germline.
Comment: This sequence change replaces threonine, which is neutral and polar, with asparagine, which is neutral and polar, at codon 458 of the SH3TC2 protein (p.Thr458Asn). This variant is not present in population databases (gnomAD no frequency). This variant has not been reported in the literature in individuals affected with SH3TC2-related conditions. ClinVar contains an entry for this variant (Variation ID: 1380195). Advanced modeling of protein sequence and biophysical properties (such as structural, functional, and spatial information, amino acid conservation, physicochemical variation, residue mobility, and thermodynamic stability) performed at Invitae indicates that this missense variant is not expected to disrupt SH3TC2 protein function. In summary, the available evidence is currently insufficient to determine the role of this variant in disease. Therefore, it has been classified as a Variant of Uncertain Significance.